The following is an entry in ClinVar:

NM_032119.4(ADGRV1):c.5677C>T (p.His1893Tyr)

Gene: ADGRV1 (adhesion G protein-coupled receptor V1; plus strand). Cytogenetic location: 5q14.3.
Variant type: single nucleotide variant.
Coding change: c.5677C>T on transcript NM_032119.4 (MANE Select); coding-DNA position 5677, C replaced by T.
Protein change: p.His1893Tyr; replaces histidine 1893 with tyrosine.
Molecular consequence: missense variant. On other transcripts: non-coding transcript variant (1).
Genome position (GRCh38, 1-based): chr5:90,683,598, C>T. VCF-style: chr5-90683598-C-T. GRCh37 (hg19) VCF-style: chr5-89979415-C-T.
Other names: short protein forms H1893Y.
Identifiers: ClinVar variation 2122837 (VCV002122837.2), dbSNP rs1745223931, ClinGen allele CA360413145.
Genomic context (GRCh38, chr5:90,683,598, plus strand): 5'-TGGCTTTAATCTCTCTTTTAATAGATTTTAATATTAAGTATTTTGTAGGTTATAAGACAT[C>T]ATGGAACTCTGTCTCCAGTGACTTTGCATTGGAACATAGACTCTGATCCTGATGGTGATC-3'
Protein context (NP_115495.3, residues 1883-1903): STVTLNVIRH[His1893Tyr]GTLSPVTLHW

ClinVar aggregate classification (germline): Uncertain significance. Review status: criteria provided, multiple submitters, no conflicts (2 of 4 stars). 2 submissions from 2 submitters: Uncertain significance (2). Last evaluated 2022-04-10.

Allele frequency attached by ClinVar (database versions not stated): gnomAD exomes below 0.00001; gnomAD 0.00001.
gnomAD v4.1: 3 of 1,598,756 alleles (0.00019%); highest among the groups gnomAD compares: African/African-American, 0.0013%; no homozygotes.

Submissions (2):

Labcorp Genetics (formerly Invitae), Labcorp
Classification: Uncertain significance. Last evaluated: 2022-04-10. Review status: criteria provided, single submitter. Criteria: Invitae Variant Classification Sherloc (09022015). Collection method: clinical testing. Allele origin: germline.
Comment: This sequence change replaces histidine, which is basic and polar, with tyrosine, which is neutral and polar, at codon 1893 of the ADGRV1 protein (p.His1893Tyr). This variant is not present in population databases (gnomAD no frequency). This variant has not been reported in the literature in individuals affected with ADGRV1-related conditions. Algorithms developed to predict the effect of missense changes on protein structure and function are either unavailable or do not agree on the potential impact of this missense change (SIFT: "Tolerated"; PolyPhen-2: "Possibly Damaging"; Align-GVGD: "Class C0"). In summary, the available evidence is currently insufficient to determine the role of this variant in disease. Therefore, it has been classified as a Variant of Uncertain Significance.

Blueprint Genetics
Classification: Uncertain significance. Last evaluated: 2021-03-02. Review status: criteria provided, single submitter. Criteria: ACMG Guidelines, 2015. Collection method: clinical testing. Allele origin: germline.